The following is an entry in ClinVar:

NM_177438.3(DICER1):c.4206+8_4206+9insTTTG

Gene: DICER1 (dicer 1, ribonuclease III; minus strand). Cytogenetic location: 14q32.13.
Variant type: Insertion.
Coding change: c.4206+8_4206+9insTTTG on transcript NM_177438.3 (MANE Select); bases 8 to 9 of the intron after coding-DNA position 4206, TTTG inserted.
Molecular consequence: intron variant.
Genome position: GRCh38 VCF-style: chr14-95099771-C-CACAA. GRCh37 (hg19) VCF-style: chr14-95566108-C-CACAA.
Other names: p.?; c.4206+8_4206+9insTTGT (NM_177438.3); c.4206+8_4206+9insTTTG (NM_001291628.2, NM_030621.4, NM_001271282.3 and 1 more transcripts).
Identifiers: ClinVar variation 221051 (VCV000221051.19), dbSNP rs763704682, ClinGen allele CA349561.

ClinVar aggregate classification (germline): Benign. Review status: criteria provided, multiple submitters, no conflicts (2 of 4 stars). 4 submissions from 4 submitters: Benign (4). Last evaluated 2026-02-04.

Conditions:
DICER1-related tumor predisposition. Also called: DICER1 syndrome; DICER1-related pleuropulmonary blastoma cancer predisposition syndrome. Identifiers: Orphanet 284343, MedGen C3839822, MONDO:0100216.

Submissions (4):

Labcorp Genetics (formerly Invitae), Labcorp
Classification: Benign for DICER1-related tumor predisposition. Last evaluated: 2026-02-04. Review status: criteria provided, single submitter. Criteria: Invitae Variant Classification Sherloc (09022015). Collection method: clinical testing. Allele origin: germline.

ARUP Laboratories, Molecular Genetics and Genomics, ARUP Laboratories
Classification: Benign. Last evaluated: 2025-04-14. Review status: criteria provided, single submitter. Criteria: ARUP Molecular Germline Variant Investigation Process 2024. Collection method: clinical testing. Allele origin: germline.

Center for Genomic Medicine, Rigshospitalet, Copenhagen University Hospital
Classification: Benign. Last evaluated: 2025-03-04. Review status: criteria provided, single submitter. Criteria: ACMG Guidelines, 2015. Collection method: clinical testing. Allele origin: germline.

Mayo Clinic Laboratories, Mayo Clinic
Classification: Benign. Last evaluated: 2024-08-05. Review status: criteria provided, single submitter. Criteria: ACMG Guidelines, 2015. Collection method: clinical testing. Allele origin: germline. Observed: 3 variant alleles.
Comment: BA1, BS2, BP4, BP7